The following is an entry in ClinVar:

NM_030631.4(SLC25A21):c.285G>T (p.Glu95Asp)

Gene: SLC25A21 (solute carrier family 25 member 21; minus strand). Cytogenetic location: 14q13.3.
Variant type: single nucleotide variant.
Coding change: c.285G>T on transcript NM_030631.4 (MANE Select); coding-DNA position 285, G replaced by T.
Protein change: p.Glu95Asp; replaces glutamic acid 95 with aspartic acid.
Molecular consequence: missense variant.
Genome position (GRCh38, 1-based): chr14:36,729,552, C>A on the plus strand (G>T on the coding strand, the complement: SLC25A21 is on the minus strand). VCF-style: chr14-36729552-C-A. GRCh37 (hg19) VCF-style: chr14-37198757-C-A.
Other names: c.285G>T, p.Glu95Asp (NM_001171170.2); short protein forms E95D.
Identifiers: ClinVar variation 4585005 (VCV004585005.2).

ClinVar aggregate classification (germline): Uncertain significance. Review status: criteria provided, multiple submitters, no conflicts (2 of 4 stars). 2 submissions from 2 submitters: Uncertain significance (2). Last evaluated 2025-09-29.

gnomAD v4.1: 1 of 1,608,880 alleles (0.000062%); highest among the groups gnomAD compares: South Asian, 0.0011%; no homozygotes.

Submissions (2):

Labcorp Genetics (formerly Invitae), Labcorp
Classification: Uncertain significance. Last evaluated: 2025-09-29. Review status: criteria provided, single submitter. Criteria: Invitae Variant Classification Sherloc (09022015). Collection method: clinical testing. Allele origin: germline.
Comment: This sequence change replaces glutamic acid, which is acidic and polar, with aspartic acid, which is acidic and polar, at codon 95 of the SLC25A21 protein (p.Glu95Asp). This variant is not present in population databases (gnomAD no frequency). This variant has not been reported in the literature in individuals affected with SLC25A21-related conditions. Invitae Evidence Modeling of protein sequence and biophysical properties (such as structural, functional, and spatial information, amino acid conservation, physicochemical variation, residue mobility, and thermodynamic stability) indicates that this missense variant is not expected to disrupt SLC25A21 protein function with a negative predictive value of 80%. In summary, the available evidence is currently insufficient to determine the role of this variant in disease. Therefore, it has been classified as a Variant of Uncertain Significance.

Ambry Genetics
Classification: Uncertain significance. Last evaluated: 2025-09-22. Review status: criteria provided, single submitter. Criteria: Ambry Variant Classification Scheme 2023. Collection method: clinical testing. Allele origin: germline.